The following is an entry in ClinVar:

ClinVar aggregate classification (germline): Uncertain significance. Review status: criteria provided, multiple submitters, no conflicts (2 of 4 stars). 2 submissions from 2 submitters: Uncertain significance (2). Last evaluated 2022-12-12.

Allele frequency attached by ClinVar (database versions not stated): gnomAD exomes below 0.00001 and 0.00002; TOPMed below 0.00001; gnomAD 0.00001 and 0.00002; ExAC 0.00003; 1000 Genomes Project 0.00020; 1000 Genomes Project 30x 0.00031.

Submissions (2):

Ambry Genetics
Classification: Uncertain significance. Last evaluated: 2022-12-12. Review status: criteria provided, single submitter. Criteria: Ambry Variant Classification Scheme 2023. Collection method: clinical testing. Allele origin: germline.

Labcorp Genetics (formerly Invitae), Labcorp
Classification: Uncertain significance. Last evaluated: 2022-10-18. Review status: criteria provided, single submitter. Criteria: Invitae Variant Classification Sherloc (09022015). Collection method: clinical testing. Allele origin: germline.
Comment: In summary, the available evidence is currently insufficient to determine the role of this variant in disease. Therefore, it has been classified as a Variant of Uncertain Significance. Advanced modeling of protein sequence and biophysical properties (such as structural, functional, and spatial information, amino acid conservation, physicochemical variation, residue mobility, and thermodynamic stability) performed at Invitae indicates that this missense variant is expected to disrupt SBF1 protein function. ClinVar contains an entry for this variant (Variation ID: 1387462). This variant has not been reported in the literature in individuals affected with SBF1-related conditions. This variant is present in population databases (rs369007269, gnomAD 0.01%). This sequence change replaces arginine, which is basic and polar, with glutamine, which is neutral and polar, at codon 499 of the SBF1 protein (p.Arg499Gln).

NM_002972.4(SBF1):c.1496G>A (p.Arg499Gln)

Gene: SBF1 (SET binding factor 1; minus strand). Cytogenetic location: 22q13.33.
Variant type: single nucleotide variant.
Coding change: c.1496G>A on transcript NM_002972.4 (MANE Select); coding-DNA position 1496, G replaced by A.
Protein change: p.Arg499Gln; replaces arginine 499 with glutamine.
Molecular consequence: missense variant.
Genome position (GRCh38, 1-based): chr22:50,464,674, C>T on the plus strand (G>A on the coding strand, the complement: SBF1 is on the minus strand). VCF-style: chr22-50464674-C-T. GRCh37 (hg19) VCF-style: chr22-50903103-C-T.
Other names: c.1499G>A, p.Arg500Gln (NM_001365819.1); c.1496G>A (NM_002972.2); short protein forms R499Q, R500Q.
Identifiers: ClinVar variation 1387462 (VCV001387462.5), dbSNP rs369007269, ClinGen allele CA10317629.
Genomic context (GRCh38, chr22:50,464,674, plus strand): 5'-TGGTCCACGATCCACTGCACGGTGCCCTCATCCAGCCGGGGGAAGGGTCGGGGCACCCGT[C>T]GCAGGTGGCTGCTCTCACCGGGCCTCTGTACCTTGTGCATCGCCACGGCTGGGTACGGGT-3'
Protein context (NP_002963.2, residues 489-509): VQRPGESSHL[Arg499Gln]RVPRPFPRLD